The following is an entry in ClinVar:

ClinVar aggregate classification (germline): Uncertain significance (1 of 4 stars; one submission).

Conditions:
Neuropathy, hereditary sensory, type 1F. Also called: Hereditary sensory neuropathy type IF; HSN IF. Identifiers: Orphanet 36386, MedGen C3810194, MONDO:0014286, OMIM 615632.

Allele frequency attached by ClinVar (database versions not stated): ExAC 0.00001; TOPMed 0.00002.
gnomAD v4.1: 6 of 1,595,236 alleles (0.00038%); highest among the groups gnomAD compares: Non-Finnish European, 0.00051%; no homozygotes.

Submission:

Labcorp Genetics (formerly Invitae), Labcorp
Classification: Uncertain significance for Neuropathy, hereditary sensory, type 1F. Last evaluated: 2021-01-20. Review status: criteria provided, single submitter. Criteria: Invitae Variant Classification Sherloc (09022015). Collection method: clinical testing. Allele origin: germline.
Comment: This sequence change replaces leucine with arginine at codon 186 of the ATL3 protein (p.Leu186Arg). The leucine residue is highly conserved and there is a moderate physicochemical difference between leucine and arginine. This variant is present in population databases (rs776366099, ExAC 0.002%). This variant has not been reported in the literature in individuals with ATL3-related disease. Algorithms developed to predict the effect of missense changes on protein structure and function (SIFT, PolyPhen-2, Align-GVGD) all suggest that this variant is likely to be disruptive, but these predictions have not been confirmed by published functional studies and their clinical significance is uncertain. In summary, the available evidence is currently insufficient to determine the role of this variant in disease. Therefore, it has been classified as a Variant of Uncertain Significance.

NM_015459.5(ATL3):c.557T>G (p.Leu186Arg)

Genes: LNCROPM (lncRNA regulator of PLAAT3 mediated phospholipid metabolism; plus strand), ATL3 (atlastin GTPase 3; minus strand). Cytogenetic location: 11q13.1.
Variant type: single nucleotide variant.
Coding change: c.557T>G on transcript NM_015459.5 (MANE Select); coding-DNA position 557, T replaced by G.
Protein change: p.Leu186Arg; replaces leucine 186 with arginine.
Molecular consequence: missense variant.
Genome position (GRCh38, 1-based): chr11:63,651,940, A>C on the plus strand (T>G on the coding strand, the complement: ATL3 is on the minus strand). VCF-style: chr11-63651940-A-C. GRCh37 (hg19) VCF-style: chr11-63419412-A-C.
Other names: c.503T>G, p.Leu168Arg (NM_001290048.2); short protein forms L168R, L186R.
Identifiers: ClinVar variation 575025 (VCV000575025.8), dbSNP rs776366099, ClinGen allele CA6063760.